The following is an entry in ClinVar:

ClinVar aggregate classification (germline): Uncertain significance (1 of 4 stars; one submission).

Conditions:
Vici syndrome (VICIS). Identifiers: Orphanet 1493, MedGen C1855772, MONDO:0009452, OMIM 242840.

Submission:

Labcorp Genetics (formerly Invitae), Labcorp
Classification: Uncertain significance for Vici syndrome. Last evaluated: 2020-10-05. Review status: criteria provided, single submitter. Criteria: Invitae Variant Classification Sherloc (09022015). Collection method: clinical testing. Allele origin: germline.
Comment: Algorithms developed to predict the effect of missense changes on protein structure and function are either unavailable or do not agree on the potential impact of this missense change (SIFT: "Deleterious"; PolyPhen-2: "Probably Damaging"; Align-GVGD: "Class C0"). This variant has not been reported in the literature in individuals with EPG5-related conditions. This variant is not present in population databases (ExAC no frequency). This sequence change replaces glutamic acid with glycine at codon 1991 of the EPG5 protein (p.Glu1991Gly). The glutamic acid residue is highly conserved and there is a moderate physicochemical difference between glutamic acid and glycine. In summary, the available evidence is currently insufficient to determine the role of this variant in disease. Therefore, it has been classified as a Variant of Uncertain Significance.

NM_020964.3(EPG5):c.5972A>G (p.Glu1991Gly)

Gene: EPG5 (ectopic P-granules 5 autophagy tethering factor; minus strand). Cytogenetic location: 18q12.3.
Variant type: single nucleotide variant.
Coding change: c.5972A>G on transcript NM_020964.3 (MANE Select); coding-DNA position 5972, A replaced by G.
Protein change: p.Glu1991Gly; replaces glutamic acid 1991 with glycine.
Molecular consequence: missense variant.
Genome position (GRCh38, 1-based): chr18:45,876,313, T>C on the plus strand (A>G on the coding strand, the complement: EPG5 is on the minus strand). VCF-style: chr18-45876313-T-C. GRCh37 (hg19) VCF-style: chr18-43456278-T-C.
Other names: short protein forms E1991G.
Identifiers: ClinVar variation 1019938 (VCV001019938.9), dbSNP rs2048970400, ClinGen allele CA402341566.